The following is an entry in ClinVar:

ClinVar aggregate classification (germline): Uncertain significance. Review status: criteria provided, multiple submitters, no conflicts (2 of 4 stars). 2 submissions from 2 submitters: Uncertain significance (2). Last evaluated 2026-04-16.

Conditions:
Intellectual developmental disorder, autosomal recessive 68. Also called: MENTAL RETARDATION, AUTOSOMAL RECESSIVE 68. Identifiers: MedGen C4749033, MONDO:0032665, OMIM 618302.
Inborn genetic diseases. Identifiers: MedGen C0950123, MeSH D030342.

Submissions (2):

Ambry Genetics
Classification: Uncertain significance for Inborn genetic diseases. Last evaluated: 2026-04-16. Review status: criteria provided, single submitter. Criteria: Ambry Variant Classification Scheme 2023. Collection method: clinical testing. Allele origin: germline.
Comment: The c.1201C>A (p.P401T) alteration is located in exon 10 (coding exon 10) of the TRMT1 gene. This alteration results from a C to A substitution at nucleotide position 1201, causing the proline (P) at amino acid position 401 to be replaced by a threonine (T). Based on data from gnomAD, the A allele has an overall frequency of 0.003% (7/282120) total alleles studied. The highest observed frequency was 0.028% (7/24902) of African alleles. Based on insufficient or conflicting evidence, the clinical significance of this alteration remains unclear.

Dasa
Classification: Uncertain significance for Intellectual developmental disorder, autosomal recessive 68. Last evaluated: 2026-03-20. Review status: criteria provided, single submitter. Criteria: DASA Assertion Criteria. Collection method: clinical testing. Allele origin: germline.
Comment: NM_001136035.4(TRMT1):c.1201C>A (p.Pro401Thr) is a missense variant that results in the substitution of proline with threonine. This variant is rare in population databases. The currently available literature and clinical evidence are not sufficient to establish a definitive association between this variant and the reported condition. Therefore, this variant is classified as a variant of uncertain significance.

NM_001136035.4(TRMT1):c.1201C>A (p.Pro401Thr)

Gene: TRMT1 (tRNA methyltransferase 1; minus strand). Cytogenetic location: 19p13.13.
Variant type: single nucleotide variant.
Coding change: c.1201C>A on transcript NM_001136035.4 (MANE Select); coding-DNA position 1201, C replaced by A.
Protein change: p.Pro401Thr; replaces proline 401 with threonine.
Molecular consequence: missense variant.
Genome position (GRCh38, 1-based): chr19:13,109,660, G>T on the plus strand (C>A on the coding strand, the complement: TRMT1 is on the minus strand). VCF-style: chr19-13109660-G-T. GRCh37 (hg19) VCF-style: chr19-13220474-G-T.
Other names: c.1114C>A, p.Pro372Thr (NM_001142554.3, NM_001351760.2); c.1093C>A, p.Pro365Thr (NM_001351761.2); c.418C>A, p.Pro140Thr (NM_001351762.2); c.1201C>A, p.Pro401Thr (NM_017722.5); short protein forms P365T, P401T, P140T, P372T.
Identifiers: ClinVar variation 3329052 (VCV003329052.4).
Genomic context (GRCh38, chr19:13,109,660, plus strand): 5'-GGCCGGGGTTAGCGCTCACAGCCTCCAGGACACGGCCCACAAAATCCAGGTCATGGATGG[G>T]CTCTGCCCACATGGGGCCACCAAGCTGGGGGCGCACCGGGGACAGGTGAGCAGGGACTAT-3'
Protein context (NP_001129507.1, residues 391-411): HQLGGPMWAE[Pro401Thr]IHDLDFVGRV